The following is an entry in ClinVar:

NM_001004334.4(GPR179):c.1368del (p.Phe456fs)

Gene: GPR179 (G protein-coupled receptor 179; minus strand). Cytogenetic location: 17q12.
Variant type: Deletion.
Coding change: c.1368del on transcript NM_001004334.4 (MANE Select); coding-DNA position 1368, one base deleted (T; older notation c.1368delT).
Protein change: p.Phe456fs; shifts the reading frame from phenylalanine 456.
Molecular consequence: frameshift variant.
Genome position (GRCh38, 1-based): chr17:38,335,629, A deleted on the plus strand (T on the coding strand, the reverse complement: GPR179 is on the minus strand); the first of 4 consecutive A bases (chr17:38,335,629-38,335,632); deleting any one gives the same sequence. VCF-style (leftmost placement, unchanged base first): chr17-38335628-CA-C. GRCh37 (hg19) VCF-style: chr17-36491511-CA-C.
Other names: short protein forms F456fs.
Identifiers: ClinVar variation 1454474 (VCV001454474.8), dbSNP rs1435030978, ClinGen allele CA771714976.

ClinVar aggregate classification (germline): Pathogenic/Likely pathogenic. Review status: criteria provided, multiple submitters, no conflicts (2 of 4 stars). 3 submissions from 3 submitters: Pathogenic (2); Likely pathogenic (1). Last evaluated 2024-08-20.

Conditions:
Congenital stationary night blindness 1E. Also called: Night blindness, congenital stationary (complete), 1E, autosomal recessive. Identifiers: Orphanet 215, MedGen C3281215, MONDO:0013807, OMIM 614565.
GPR179-related disorders.

Submissions (3):

Labcorp Genetics (formerly Invitae), Labcorp
Classification: Pathogenic. Last evaluated: 2024-08-20. Review status: criteria provided, single submitter. Criteria: Invitae Variant Classification Sherloc (09022015). Collection method: clinical testing. Allele origin: germline.
Comment: This sequence change creates a premature translational stop signal (p.Phe456Leufs*30) in the GPR179 gene. It is expected to result in an absent or disrupted protein product. Loss-of-function variants in GPR179 are known to be pathogenic (PMID: 22325361, 22325362). This variant is not present in population databases (gnomAD no frequency). This premature translational stop signal has been observed in individual(s) with congenital stationary night blindness (PMID: 5307992). ClinVar contains an entry for this variant (Variation ID: 1454474). For these reasons, this variant has been classified as Pathogenic.

3billion
Classification: Pathogenic for Congenital stationary night blindness 1E. Last evaluated: 2024-07-19. Review status: criteria provided, single submitter. Criteria: ACMG Guidelines, 2015. Collection method: clinical testing. Allele origin: germline. Affected: yes.
Comment: The variant is observed at an extremely low frequency in the gnomAD v4.0.0 dataset (total allele frequency: 0.002%). Predicted Consequence/Location: Frameshift: predicted to result in a loss or disruption of normal protein function through nonsense-mediated decay (NMD) or protein truncation. Multiple pathogenic variants are reported downstream of the variant. The variant has been reported to be associated with GPR179-related disorder (ClinVar ID: VCV001454474 /PMID: 25307992 /3billion dataset). Therefore, this variant is classified as Pathogenic according to the recommendation of ACMG/AMP guideline.

Blueprint Genetics
Classification: Likely pathogenic for GPR179-related disorders. Last evaluated: 2024-05-15. Review status: criteria provided, single submitter. Criteria: ACMG Guidelines, 2015. Collection method: clinical testing. Allele origin: germline. Affected: yes. Observed: 5 variant alleles.

Literature cited by the submitters: PubMed 22325361 (cited by Labcorp Genetics (formerly Invitae), Labcorp); PubMed 22325362 (cited by Labcorp Genetics (formerly Invitae), Labcorp); PubMed 5307992 (cited by Labcorp Genetics (formerly Invitae), Labcorp); PubMed 25307992 (cited by 3billion).